The following is an entry in ClinVar:

NM_001007228.2(SPOP):c.781_783del (p.Gly261del)

Gene: SPOP (speckle type BTB/POZ protein; minus strand). Cytogenetic location: 17q21.33.
Variant type: Deletion.
Coding change: c.781_783del on transcript NM_001007228.2 (MANE Select); coding-DNA positions 781 to 783, 3 bases deleted (GGG; older notation c.781_783delGGG).
Protein change: p.Gly261del; deletes glycine 261.
Molecular consequence: inframe deletion.
Genome position (GRCh38, 1-based): chr17:49,607,304-49,607,306, CCC deleted on the plus strand (GGG on the coding strand, the reverse complement: SPOP is on the minus strand); deleting any 3 consecutive bases within chr17:49,607,304-49,607,307 gives the same sequence; the c. name uses the placement nearest the transcript's 3' end. VCF-style (leftmost placement, unchanged base first): chr17-49607303-TCCC-T. GRCh37 (hg19) VCF-style: chr17-47684665-TCCC-T.
Other names: c.781_783del, p.Gly261del (NM_001007226.1, NM_001007227.1, NM_001007229.1 and 5 more transcripts); c.781_783delGGG (NM_001007226.1); short protein forms G261del.
Identifiers: ClinVar variation 2637266 (VCV002637266.1), dbSNP rs2543798845, ClinGen allele CA2695200267.
Genomic context (GRCh38, chr17:49,607,303, plus strand): 5'-ATCTTACCTTGTCAGCAGCTGCCAGCAAATCATCAGCCATTTTGTCGAGGTTTGGAGCCT[TCCC>T]CGTGTAAATGAAGCACATCATTTCCTTAAAAACTTCAGGCTCCACATCATTGATTTCAAC-3'

ClinVar aggregate classification (germline): Uncertain significance (1 of 4 stars; one submission).

Conditions:
SPOP-related disorder. Also called: SPOP-related condition.

Submission:

PreventionGenetics, part of Exact Sciences
Classification: Uncertain significance for SPOP-related condition. Last evaluated: 2022-09-23. Review status: criteria provided, single submitter. Criteria: ACMG Guidelines, 2015. Collection method: clinical testing. Allele origin: germline.
Comment: The SPOP c.781_783delGGG variant is predicted to result in an in-frame deletion (p.Gly261del). To our knowledge, this variant has not been reported in the literature or in a large population database, indicating this variant is rare. At this time, the clinical significance of this variant is uncertain due to the absence of conclusive functional and genetic evidence.